The following is an entry in ClinVar:

NM_000742.4(CHRNA2):c.380T>G (p.Phe127Cys)

Gene: CHRNA2 (cholinergic receptor nicotinic alpha 2 subunit; minus strand). Cytogenetic location: 8p21.2.
Variant type: single nucleotide variant.
Coding change: c.380T>G on transcript NM_000742.4 (MANE Select); coding-DNA position 380, T replaced by G.
Protein change: p.Phe127Cys; replaces phenylalanine 127 with cysteine.
Molecular consequence: missense variant. On other transcripts: 5 prime UTR variant (4).
Genome position (GRCh38, 1-based): chr8:27,467,298, A>C on the plus strand (T>G on the coding strand, the complement: CHRNA2 is on the minus strand). VCF-style: chr8-27467298-A-C. GRCh37 (hg19) VCF-style: chr8-27324815-A-C.
Other names: c.335T>G, p.Phe112Cys (NM_001282455.2); c.-93T>G (NM_001347705.2, NM_001347706.2); c.-79T>G (NM_001347707.2); c.-82T>G (NM_001347708.2); short protein forms F112C, F127C.
Identifiers: ClinVar variation 1466288 (VCV001466288.9), dbSNP rs777304017, ClinGen allele CA4689681.

ClinVar aggregate classification (germline): Uncertain significance. Review status: criteria provided, multiple submitters, no conflicts (2 of 4 stars). 2 submissions from 2 submitters: Uncertain significance (2). Last evaluated 2024-06-07.

Conditions:
Familial sleep-related hypermotor epilepsy. Also called: Autosomal Dominant Sleep-Related Hypermotor (Hyperkinetic) Epilepsy. Identifiers: Orphanet 98784, MedGen C3696898, MONDO:0000030.

Allele frequency attached by ClinVar (database versions not stated): ExAC 0.00002.
gnomAD v4.1: 10 of 1,614,044 alleles (0.00062%); highest among the groups gnomAD compares: Non-Finnish European, 0.00059%; no homozygotes.

Submissions (2):

Women's Health and Genetics/Laboratory Corporation of America, LabCorp
Classification: Uncertain significance. Last evaluated: 2024-06-07. Review status: criteria provided, single submitter. Criteria: LabCorp Variant Classification Summary - May 2015. Collection method: clinical testing. Allele origin: germline.
Comment: Variant summary: CHRNA2 c.380T>G (p.Phe127Cys) results in a non-conservative amino acid change located in the neurotransmitter-gated ion-channel ligand-binding domain (IPR006202) of the encoded protein sequence. Five of five in-silico tools predict a damaging effect of the variant on protein function. The variant allele was found at a frequency of 8e-06 in 251488 control chromosomes (gnomAD). The available data on variant occurrences in the general population are insufficient to allow any conclusion about variant significance. To our knowledge, no occurrence of c.380T>G in individuals affected with autosomal dominant nocturnal frontal lobe epilepsy 4 and no experimental evidence demonstrating its impact on protein function have been reported. ClinVar contains an entry for this variant (Variation ID: 1466288). Based on the evidence outlined above, the variant was classified as uncertain significance.

Labcorp Genetics (formerly Invitae), Labcorp
Classification: Uncertain significance. Last evaluated: 2021-12-02. Review status: criteria provided, single submitter. Criteria: Invitae Variant Classification Sherloc (09022015). Collection method: clinical testing. Allele origin: germline.
Comment: In summary, the available evidence is currently insufficient to determine the role of this variant in disease. Therefore, it has been classified as a Variant of Uncertain Significance. Advanced modeling of protein sequence and biophysical properties (such as structural, functional, and spatial information, amino acid conservation, physicochemical variation, residue mobility, and thermodynamic stability) performed at Invitae indicates that this missense variant is not expected to disrupt CHRNA2 protein function. This variant has not been reported in the literature in individuals affected with CHRNA2-related conditions. This variant is present in population databases (rs777304017, gnomAD 0.002%). This sequence change replaces phenylalanine, which is neutral and non-polar, with cysteine, which is neutral and slightly polar, at codon 127 of the CHRNA2 protein (p.Phe127Cys).